The following is an entry in ClinVar:

NM_000722.4(CACNA2D1):c.1590+19T>C

Gene: CACNA2D1 (calcium voltage-gated channel auxiliary subunit alpha2delta 1; minus strand). Cytogenetic location: 7q21.11.
Variant type: single nucleotide variant.
Coding change: c.1590+19T>C on transcript NM_000722.4 (MANE Select); 19 bases into the intron after coding-DNA position 1590, T replaced by C.
Molecular consequence: intron variant.
Genome position (GRCh38, 1-based): chr7:82,005,404, A>G on the plus strand (T>C on the coding strand, the complement: CACNA2D1 is on the minus strand). VCF-style: chr7-82005404-A-G. GRCh37 (hg19) VCF-style: chr7-81634720-A-G.
Other names: c.1590+19T>C (LRG_437t1, NM_001366867.1).
Identifiers: ClinVar variation 516027 (VCV000516027.1), dbSNP rs1554348402, ClinGen allele CA658796948.

ClinVar aggregate classification (germline): Likely benign (1 of 4 stars; one submission).

Submission:

GeneDx
Classification: Likely benign. Last evaluated: 2018-03-09. Review status: criteria provided, single submitter. Criteria: GeneDx Variant Classification (06012015). Collection method: clinical testing. Allele origin: germline. Affected: yes.
Comment: This variant is considered likely benign or benign based on one or more of the following criteria: it is a conservative change, it occurs at a poorly conserved position in the protein, it is predicted to be benign by multiple in silico algorithms, and/or has population frequency not consistent with disease.